The following is an entry in ClinVar:

ClinVar aggregate classification (germline): Uncertain significance (1 of 4 stars; one submission).

Conditions:
Nephronophthisis. Also called: Juvenile Nephronophthisis. Identifiers: Orphanet 655, MedGen C0687120, MONDO:0019005, HP:0000090.

Submission:

Labcorp Genetics (formerly Invitae), Labcorp
Classification: Uncertain significance for Nephronophthisis. Last evaluated: 2022-11-06. Review status: criteria provided, single submitter. Criteria: Invitae Variant Classification Sherloc (09022015). Collection method: clinical testing. Allele origin: germline.
Comment: In summary, the available evidence is currently insufficient to determine the role of this variant in disease. Therefore, it has been classified as a Variant of Uncertain Significance. Advanced modeling of protein sequence and biophysical properties (such as structural, functional, and spatial information, amino acid conservation, physicochemical variation, residue mobility, and thermodynamic stability) performed at Invitae indicates that this missense variant is not expected to disrupt NPHP4 protein function. This variant has not been reported in the literature in individuals affected with NPHP4-related conditions. This variant is not present in population databases (gnomAD no frequency). This sequence change replaces valine, which is neutral and non-polar, with alanine, which is neutral and non-polar, at codon 1399 of the NPHP4 protein (p.Val1399Ala).

NM_015102.5(NPHP4):c.4196T>C (p.Val1399Ala)

Gene: NPHP4 (nephrocystin 4; minus strand). Cytogenetic location: 1p36.31.
Variant type: single nucleotide variant.
Coding change: c.4196T>C on transcript NM_015102.5 (MANE Select); coding-DNA position 4196, T replaced by C.
Protein change: p.Val1399Ala; replaces valine 1399 with alanine.
Molecular consequence: missense variant. On other transcripts: non-coding transcript variant (1).
Genome position (GRCh38, 1-based): chr1:5,863,350, A>G on the plus strand (T>C on the coding strand, the complement: NPHP4 is on the minus strand). VCF-style: chr1-5863350-A-G. GRCh37 (hg19) VCF-style: chr1-5923410-A-G.
Other names: c.2657T>C, p.Val886Ala (NM_001291593.2); c.2660T>C, p.Val887Ala (NM_001291594.2); short protein forms V1399A, V886A, V887A.
Identifiers: ClinVar variation 2812382 (VCV002812382.3), dbSNP rs766927017, ClinGen allele CA338047618.